The following is an entry in ClinVar:

NM_130468.4(CHST14):c.471G>A (p.Val157=)

Gene: CHST14 (carbohydrate sulfotransferase 14; plus strand). Cytogenetic location: 15q15.1.
Variant type: single nucleotide variant.
Coding change: c.471G>A on transcript NM_130468.4 (MANE Select); coding-DNA position 471, G replaced by A.
Protein change: p.Val157=; no amino-acid change (valine 157 retained).
Molecular consequence: synonymous variant.
Genome position (GRCh38, 1-based): chr15:40,471,684, G>A. VCF-style: chr15-40471684-G-A. GRCh37 (hg19) VCF-style: chr15-40763883-G-A.
Identifiers: ClinVar variation 536424 (VCV000536424.29), dbSNP rs200761477, ClinGen allele CA7481603.
Genomic context (GRCh38, chr15:40,471,684, plus strand): 5'-GCTGCGCCACATCCTCGTAAGTGACCGTTACCGCTTCCTCTACTGCTACGTCCCCAAGGT[G>A]GCCTGCTCTAACTGGAAGCGGGTGATGAAGGTGCTGGCAGGCGTCCTGGACAGCGTGGAC-3'
Protein context (NP_569735.1, residues 147-167): YRFLYCYVPK[Val157=]ACSNWKRVMK

ClinVar aggregate classification (germline): Conflicting classifications of pathogenicity. Review status: criteria provided, conflicting classifications (1 of 4 stars). 7 submissions from 7 submitters: Uncertain significance (1); Likely benign (5). 1 of the submissions does not count toward it. Last evaluated 2026-01-07.

Conditions:
CHST14-related disorder. Also called: CHST14-related condition.
Cardiovascular phenotype. Identifiers: MedGen CN230736.
Ehlers-Danlos syndrome (EDS). Identifiers: Orphanet 98249, MedGen C0013720, MONDO:0020066.
Ehlers-Danlos syndrome, musculocontractural type (EDSMC). Also called: DUNDAR SYNDROME; Adducted thumb, clubfoot, progressive joint and skin laxity syndrome; ARTHROGRYPOSIS, DISTAL, WITH PECULIAR FACIES AND HYDRONEPHROSIS; ADDUCTED THUMB-CLUBFOOT SYNDROME. Identifiers: Orphanet 2953, MedGen C1866294, MONDO:0011142.

Allele frequency attached by ClinVar (database versions not stated): gnomAD exomes 0.00013 and 0.00031; TOPMed 0.00015; gnomAD 0.00017 and 0.00018; ExAC 0.00023; ESP Exome Variant Server 0.00031.

Submissions (7):

Labcorp Genetics (formerly Invitae), Labcorp
Classification: Likely benign for Ehlers-Danlos syndrome, musculocontractural type. Last evaluated: 2026-01-07. Review status: criteria provided, single submitter. Criteria: Invitae Variant Classification Sherloc (09022015). Collection method: clinical testing. Allele origin: germline.

Women's Health and Genetics/Laboratory Corporation of America, LabCorp
Classification: Likely benign. Last evaluated: 2025-05-28. Review status: criteria provided, single submitter. Criteria: LabCorp Variant Classification Summary - May 2015. Collection method: clinical testing. Allele origin: germline.

Ambry Genetics
Classification: Likely benign for Cardiovascular phenotype. Last evaluated: 2022-01-27. Review status: criteria provided, single submitter. Criteria: Ambry Variant Classification Scheme 2023. Collection method: clinical testing. Allele origin: germline.

Genome Diagnostics Laboratory, The Hospital for Sick Children
Classification: Likely benign for Ehlers-Danlos syndrome. Last evaluated: 2021-09-28. Review status: criteria provided, single submitter. Criteria: ACMG Guidelines, 2015. Collection method: clinical testing. Allele origin: germline.

Mayo Clinic Laboratories, Mayo Clinic
Classification: Uncertain significance. Last evaluated: 2021-05-26. Review status: criteria provided, single submitter. Criteria: ACMG Guidelines, 2015. Collection method: clinical testing. Allele origin: germline.

GeneDx
Classification: Likely benign. Last evaluated: 2020-11-12. Review status: criteria provided, single submitter. Criteria: GeneDx Variant Classification Process June 2021. Collection method: clinical testing. Allele origin: germline. Affected: yes.

PreventionGenetics, part of Exact Sciences
Classification: Likely benign for CHST14-related condition. Last evaluated: 2019-08-08. Review status: no assertion criteria provided. Collection method: clinical testing. Allele origin: germline. Not counted in ClinVar's aggregate classification.
Comment: This variant is classified as likely benign based on ACMG/AMP sequence variant interpretation guidelines (Richards et al. 2015 PMID: 25741868, with internal and published modifications).